The following is an entry in ClinVar:

ClinVar aggregate classification (germline): Uncertain significance (1 of 4 stars; one submission).

Conditions:
Hereditary cancer-predisposing syndrome. Also called: Neoplastic Syndromes, Hereditary; Tumor predisposition; Hereditary Cancer Syndrome; Hereditary neoplastic syndrome. Identifiers: Orphanet 140162, MedGen C0027672, MeSH D009386, MONDO:0015356.

Submission:

Ambry Genetics
Classification: Uncertain significance for Hereditary cancer-predisposing syndrome. Last evaluated: 2026-04-12. Review status: criteria provided, single submitter. Criteria: Ambry Variant Classification Scheme 2023. Collection method: clinical testing. Allele origin: germline.
Comment: The p.D1538Y variant (also known as c.4612G>T), located in coding exon 31 of the SMARCA4 gene, results from a G to T substitution at nucleotide position 4612. The aspartic acid at codon 1538 is replaced by tyrosine, an amino acid with highly dissimilar properties. This amino acid position is conserved. In addition, this alteration is predicted to be deleterious by in silico analysis. Based on the available evidence, the clinical significance of this variant remains unclear.

NM_003072.5(SMARCA4):c.4516G>T (p.Asp1506Tyr)

Gene: SMARCA4 (SWI/SNF related BAF chromatin remodeling complex subunit ATPase 4; plus strand). Cytogenetic location: 19p13.2.
Variant type: single nucleotide variant.
Coding change: c.4516G>T on transcript NM_003072.5 (MANE Select); coding-DNA position 4516, G replaced by T.
Protein change: p.Asp1506Tyr; replaces aspartic acid 1506 with tyrosine.
Molecular consequence: missense variant. On other transcripts: non-coding transcript variant (1).
Genome position (GRCh38, 1-based): chr19:11,058,346, G>T. VCF-style: chr19-11058346-G-T. GRCh37 (hg19) VCF-style: chr19-11169022-G-T.
Other names: c.4516G>T, p.Asp1506Tyr (NM_001128844.3); c.4426G>T, p.Asp1476Tyr (NM_001128845.2); c.4423G>T, p.Asp1475Tyr (NM_001128846.2); c.4417G>T, p.Asp1473Tyr (NM_001128847.4, NM_001374457.1); c.4414G>T, p.Asp1472Tyr (NM_001128848.2); c.4612G>T, p.Asp1538Tyr (NM_001128849.3, NM_001387283.1); c.4513G>T, p.Asp1505Tyr (NM_001411150.1); short protein forms D1472Y, D1473Y, D1475Y, D1476Y, D1505Y, D1506Y, D1538Y.
Identifiers: ClinVar variation 4864759 (VCV004864759.1).